The following is an entry in ClinVar:

NM_000268.4(NF2):c.1726A>T (p.Thr576Ser)

Gene: NF2 (NF2, moesin-ezrin-radixin like (MERLIN) tumor suppressor; plus strand). Cytogenetic location: 22q12.2.
Variant type: single nucleotide variant.
Coding change: c.1726A>T on transcript NM_000268.4 (MANE Select); coding-DNA position 1726, A replaced by T.
Protein change: p.Thr576Ser; replaces threonine 576 with serine.
Molecular consequence: missense variant. On other transcripts: non-coding transcript variant (1), intron variant (1).
Genome position (GRCh38, 1-based): chr22:29,681,590, A>T. VCF-style: chr22-29681590-A-T. GRCh37 (hg19) VCF-style: chr22-30077579-A-T.
Other names: c.1726A>T, p.Thr576Ser (NM_016418.5, NM_181825.3, NM_181832.3); c.1600A>T, p.Thr534Ser (NM_181828.3); c.1603A>T, p.Thr535Ser (NM_181829.3); c.1477A>T, p.Thr493Ser (NM_181830.3, NM_181831.3); c.448-13162A>T (NM_181833.3); short protein forms T493S, T534S, T535S, T576S.
Identifiers: ClinVar variation 819942 (VCV000819942.16), dbSNP rs1601666549, ClinGen allele CA411150525.

ClinVar aggregate classification (germline): Uncertain significance. Review status: criteria provided, multiple submitters, no conflicts (2 of 4 stars). 3 submissions from 3 submitters: Uncertain significance (3). Last evaluated 2021-11-07.

Conditions:
Hereditary cancer-predisposing syndrome. Also called: Tumor predisposition; Hereditary Cancer Syndrome; Hereditary neoplastic syndrome; Neoplastic Syndromes, Hereditary. Identifiers: Orphanet 140162, MedGen C0027672, MeSH D009386, MONDO:0015356.
Neurofibromatosis, type 2 (SWNV). Also called: BILATERAL ACOUSTIC NEUROFIBROMATOSIS; SCHWANNOMATOSIS, VESTIBULAR; NF2-Related Schwannomatosis. Identifiers: Orphanet 637, MedGen C0027832, MONDO:0007039, OMIM 101000. Disease mechanism: loss of function.

Allele frequency attached by ClinVar (database versions not stated): TOPMed below 0.00001.

Submissions (3):

Genome-Nilou Lab
Classification: Uncertain significance for Neurofibromatosis, type 2. Last evaluated: 2021-11-07. Review status: criteria provided, single submitter. Criteria: ACMG Guidelines, 2015. Collection method: clinical testing. Allele origin: germline. Affected: no.

Labcorp Genetics (formerly Invitae), Labcorp
Classification: Uncertain significance for Neurofibromatosis, type 2. Last evaluated: 2019-06-16. Review status: criteria provided, single submitter. Criteria: Invitae Variant Classification Sherloc (09022015). Collection method: clinical testing. Allele origin: germline.
Comment: In summary, the available evidence is currently insufficient to determine the role of this variant in disease. Therefore, it has been classified as a Variant of Uncertain Significance. Algorithms developed to predict the effect of missense changes on protein structure and function (SIFT, PolyPhen-2, Align-GVGD) all suggest that this variant is likely to be tolerated, but these predictions have not been confirmed by published functional studies and their clinical significance is uncertain. This variant has not been reported in the literature in individuals with NF2-related conditions. This variant is not present in population databases (ExAC no frequency). This sequence change replaces threonine with serine at codon 576 of the NF2 protein (p.Thr576Ser). The threonine residue is moderately conserved and there is a small physicochemical difference between threonine and serine.

Ambry Genetics
Classification: Uncertain significance for Hereditary cancer-predisposing syndrome. Last evaluated: 2019-01-21. Review status: criteria provided, single submitter. Criteria: Ambry Variant Classification Scheme 2023. Collection method: clinical testing. Allele origin: germline.
Comment: The p.T576S variant (also known as c.1726A>T), located in coding exon 15 of the NF2 gene, results from an A to T substitution at nucleotide position 1726. The threonine at codon 576 is replaced by serine, an amino acid with similar properties. This amino acid position is highly conserved through mammals but not in all available vertebrate species. In addition, the in silico prediction for this alteration is inconclusive. Since supporting evidence is limited at this time, the clinical significance of this alteration remains unclear.